The following is an entry in ClinVar:

NM_001042424.3(NSD2):c.3581G>A (p.Gly1194Glu)

Gene: NSD2 (nuclear receptor binding SET domain protein 2; plus strand). Cytogenetic location: 4p16.3.
Variant type: single nucleotide variant.
Coding change: c.3581G>A on transcript NM_001042424.3 (MANE Select); coding-DNA position 3581, G replaced by A.
Protein change: p.Gly1194Glu; replaces glycine 1194 with glutamic acid.
Molecular consequence: missense variant.
Genome position (GRCh38, 1-based): chr4:1,975,360, G>A. VCF-style: chr4-1975360-G-A. GRCh37 (hg19) VCF-style: chr4-1977087-G-A.
Other names: c.3581G>A, p.Gly1194Glu (NM_133330.3, NM_133331.3, NM_133335.4); short protein forms G1194E.
Identifiers: ClinVar variation 1308719 (VCV001308719.2), dbSNP rs2109021797, ClinGen allele CA356001695.

ClinVar aggregate classification (germline): Uncertain significance (1 of 4 stars; one submission).

Allele frequency attached by ClinVar (database versions not stated): gnomAD exomes below 0.00001.
gnomAD v4.1: 2 of 1,614,138 alleles (0.00012%); highest among the groups gnomAD compares: Non-Finnish European, 0.00017%; no homozygotes.

Submission:

GeneDx
Classification: Uncertain significance. Last evaluated: 2019-09-25. Review status: criteria provided, single submitter. Criteria: GeneDx Variant Classification Process June 2021. Collection method: clinical testing. Allele origin: germline. Affected: yes.
Comment: Not observed in large population cohorts (Lek et al., 2016); In silico analysis, which includes protein predictors and evolutionary conservation, supports a deleterious effect; Has not been previously published as pathogenic or benign to our knowledge